The following is an entry in ClinVar:

NM_001032386.2(SUOX):c.1234_1235del (p.Val412fs)

Gene: SUOX (sulfite oxidase; plus strand). Cytogenetic location: 12q13.2.
Variant type: Deletion.
Coding change: c.1234_1235del on transcript NM_001032386.2 (MANE Select); coding-DNA positions 1234 to 1235, 2 bases deleted (GT; older notation c.1234_1235delGT).
Protein change: p.Val412fs; shifts the reading frame from valine 412.
Molecular consequence: frameshift variant.
Genome position (GRCh38, 1-based): chr12:56,004,623-56,004,624, GT deleted; deleting any 2 consecutive bases within chr12:56,004,622-56,004,624 gives the same sequence; the c. name uses the placement nearest the transcript's 3' end. VCF-style (leftmost placement, unchanged base first): chr12-56004621-CTG-C. GRCh37 (hg19) VCF-style: chr12-56398405-CTG-C.
Other names: c.1234_1235del, p.Val412fs (NM_000456.3, NM_001032387.2); short protein forms V412fs.
Identifiers: ClinVar variation 3721165 (VCV003721165.2).

ClinVar aggregate classification (germline): Pathogenic (1 of 4 stars; one submission).

Conditions:
Sulfite oxidase deficiency. Also called: Isolated sulfite oxidase deficiency. Identifiers: Orphanet 833, Orphanet 99731, MedGen C0268624, MONDO:0010089, OMIM 272300, HP:0003643.

Submission:

Labcorp Genetics (formerly Invitae), Labcorp
Classification: Pathogenic for Sulfite oxidase deficiency. Last evaluated: 2024-02-09. Review status: criteria provided, single submitter. Criteria: Invitae Variant Classification Sherloc (09022015). Collection method: clinical testing. Allele origin: germline.
Comment: This sequence change creates a premature translational stop signal (p.Val412Argfs*3) in the SUOX gene. While this is not anticipated to result in nonsense mediated decay, it is expected to disrupt the last 134 amino acid(s) of the SUOX protein. This variant is not present in population databases (gnomAD no frequency). This premature translational stop signal has been observed in individual(s) with isolated sulfite oxidase deficiency (PMID: 23250141). This variant is also known as c.1232-1233 delTG. This variant disrupts a region of the SUOX protein in which other variant(s) (p.Arg529*) have been determined to be pathogenic (PMID: 17940249, 28980090). This suggests that this is a clinically significant region of the protein, and that variants that disrupt it are likely to be disease-causing. For these reasons, this variant has been classified as Pathogenic.

Literature cited by the submitters: PubMed 23250141; PubMed 17940249; PubMed 28980090.